The following is an entry in ClinVar:

ClinVar aggregate classification (germline): Benign/Likely benign. Review status: criteria provided, multiple submitters, no conflicts (2 of 4 stars). 3 submissions from 3 submitters: Benign (1); Likely benign (2). Last evaluated 2026-07-29.

Conditions:
Hereditary cancer-predisposing syndrome. Also called: Hereditary neoplastic syndrome; Neoplastic Syndromes, Hereditary; Tumor predisposition; Hereditary Cancer Syndrome. Identifiers: Orphanet 140162, MedGen C0027672, MeSH D009386, MONDO:0015356.
Hereditary pheochromocytoma and paraganglioma. Also called: Hereditary pheochromocytoma-paraganglioma; Hereditary paragangliomas and pheochromocytomas; Hereditary Paraganglioma-Pheochromocytoma Syndromes. Identifiers: Orphanet 29072, MedGen C4274332, MONDO:0017366.

Submissions (3):

Myriad Genetics, Inc.
Classification: Benign for Hereditary pheochromocytoma and paraganglioma. Last evaluated: 2026-07-29. Review status: criteria provided, single submitter. Criteria: Myriad Autosomal Dominant, Autosomal Recessive and X-Linked Classification Criteria (2023). Collection method: clinical testing. Allele origin: unknown.
Comment: This variant is considered benign. This variant is a silent/synonymous amino acid change and it is not expected to impact splicing.

Labcorp Genetics (formerly Invitae), Labcorp
Classification: Likely benign for Hereditary pheochromocytoma and paraganglioma. Last evaluated: 2025-02-16. Review status: criteria provided, single submitter. Criteria: Invitae Variant Classification Sherloc (09022015). Collection method: clinical testing. Allele origin: germline.

Ambry Genetics
Classification: Likely benign for Hereditary cancer-predisposing syndrome. Last evaluated: 2019-01-07. Review status: criteria provided, single submitter. Criteria: Ambry Variant Classification Scheme 2023. Collection method: clinical testing. Allele origin: germline.

NM_017849.4(TMEM127):c.153C>G (p.Pro51=)

Gene: TMEM127 (transmembrane protein 127; minus strand). Cytogenetic location: 2q11.2.
Variant type: single nucleotide variant.
Coding change: c.153C>G on transcript NM_017849.4 (MANE Select); coding-DNA position 153, C replaced by G.
Protein change: p.Pro51=; no amino-acid change (proline 51 retained).
Molecular consequence: synonymous variant.
Genome position (GRCh38, 1-based): chr2:96,265,229, G>C on the plus strand (C>G on the coding strand, the complement: TMEM127 is on the minus strand). VCF-style: chr2-96265229-G-C. GRCh37 (hg19) VCF-style: chr2-96930967-G-C.
Other names: c.153C>G, p.Pro51= (NM_001193304.3).
Identifiers: ClinVar variation 819439 (VCV000819439.8), dbSNP rs1573977758, ClinGen allele CA427496330.
Genomic context (GRCh38, chr2:96,265,229, plus strand): 5'-CACGTCGGAGACCCCCAGCTCCTGGCGCGAACAGGTGCCTCCGTGGATGTGCAACCAGGC[G>C]GGCTCGGCGAGGGCAGTGCACAGCGCCGTGATAGACAGGGCGCCAGGCAGGGCCGAGGCC-3'
Protein context (NP_060319.1, residues 41-61): ITALCTALAE[Pro51=]AWLHIHGGTC